The following is an entry in ClinVar:

NM_004260.4(RECQL4):c.3340C>T (p.Gln1114Ter)

Gene: RECQL4 (RecQ like helicase 4; minus strand). Cytogenetic location: 8q24.3.
Variant type: single nucleotide variant.
Coding change: c.3340C>T on transcript NM_004260.4 (MANE Select); coding-DNA position 3340, C replaced by T.
Protein change: p.Gln1114Ter; replaces glutamine 1114 with a stop codon.
Molecular consequence: nonsense.
Genome position (GRCh38, 1-based): chr8:144,511,964, G>A on the plus strand (C>T on the coding strand, the complement: RECQL4 is on the minus strand). VCF-style: chr8-144511964-G-A. GRCh37 (hg19) VCF-style: chr8-145737347-G-A.
Other names: short protein forms Q1114*.
Identifiers: ClinVar variation 1319967 (VCV001319967.7), dbSNP rs868635592, ClinGen allele CA372668489.
Genomic context (GRCh38, chr8:144,511,964, plus strand): 5'-CACTCACTCTGGCCTGCCCTGGCTCGGGGCCCTGTGCGTCCTCCATGCCTCCCGGCTCCT[G>A]CCCTTCCTCTTCCTCAAAGTAGCGGCCGAGCAGGTCCTTGAGCCTGGTGCTGCGCTCCTC-3'

ClinVar aggregate classification (germline): Pathogenic/Likely pathogenic. Review status: criteria provided, multiple submitters, no conflicts (2 of 4 stars). 2 submissions from 2 submitters: Pathogenic (1); Likely pathogenic (1). Last evaluated 2022-06-07.

Conditions:
Baller-Gerold syndrome (BGS). Also called: CRANIOSYNOSTOSIS WITH RADIAL DEFECTS. Identifiers: Orphanet 1225, MedGen C0265308, MONDO:0009039, OMIM 218600.

Submissions (2):

Labcorp Genetics (formerly Invitae), Labcorp
Classification: Pathogenic for Baller-Gerold syndrome. Last evaluated: 2022-06-07. Review status: criteria provided, single submitter. Criteria: Invitae Variant Classification Sherloc (09022015). Collection method: clinical testing. Allele origin: germline.
Comment: This sequence change creates a premature translational stop signal (p.Gln1114*) in the RECQL4 gene. It is expected to result in an absent or disrupted protein product. Loss-of-function variants in RECQL4 are known to be pathogenic (PMID: 12734318, 12952869). This variant is not present in population databases (gnomAD no frequency). This variant has not been reported in the literature in individuals affected with RECQL4-related conditions. ClinVar contains an entry for this variant (Variation ID: 1319967). Algorithms developed to predict the effect of sequence changes on RNA splicing suggest that this variant may disrupt the consensus splice site. For these reasons, this variant has been classified as Pathogenic.

GeneID Lab - Advanced Molecular Diagnostics
Classification: Likely pathogenic for Baller-Gerold syndrome. Last evaluated: 2019-01-30. Review status: criteria provided, single submitter. Criteria: ACMG Guidelines, 2015. Collection method: clinical testing. Allele origin: germline. Affected: no. Observed: 1 variant allele.
Comment: This variant results in an amino acid alteration replacing a glutamine (Q) with a stop codon at position 1114 noted as p.Gln1114Ter or p.Q1114*. The substitution is predicted to result in a non-functional protein product, either through protein truncation or nonsense-mediated mRNA decay. This variant is considered a non-tolerated amino acid change based on “in silico” prediction algorithms and it is not present in the gnomAD exomes database. Based on these findings and the limited literature regarding this substitution we consider it as a “likely pathogenic variant”.

Literature cited by the submitters: PubMed 12734318 (cited by Labcorp Genetics (formerly Invitae), Labcorp); PubMed 12952869 (cited by Labcorp Genetics (formerly Invitae), Labcorp).